The following is an entry in ClinVar:

NM_133433.4(NIPBL):c.868+13C>G

Gene: NIPBL (NIPBL cohesin loading factor; plus strand). Cytogenetic location: 5p13.2.
Variant type: single nucleotide variant.
Coding change: c.868+13C>G on transcript NM_133433.4 (MANE Select); 13 bases into the intron after coding-DNA position 868, C replaced by G.
Molecular consequence: intron variant.
Genome position (GRCh38, 1-based): chr5:36,972,054, C>G. VCF-style: chr5-36972054-C-G. GRCh37 (hg19) VCF-style: chr5-36972156-C-G.
Other names: c.868+13C>G (NM_001438586.1, NM_015384.5).
Identifiers: ClinVar variation 4719783 (VCV004719783.2).

ClinVar aggregate classification (germline): Pathogenic/Likely pathogenic. Review status: criteria provided, multiple submitters, no conflicts (2 of 4 stars). 2 submissions from 2 submitters: Pathogenic (1); Likely pathogenic (1). Last evaluated 2026-04-13.

Conditions:
Cornelia de Lange syndrome 1 (CDLS1). Also called: TYPUS DEGENERATIVUS AMSTELODAMENSIS; Brachmann de Lange syndrome; NIPBL-Related Cornelia de Lange Syndrome. Identifiers: Orphanet 199, MedGen C4551851, MONDO:0007387, OMIM 122470.
Fetal anomalies with a likely genetic cause.

Submissions (2):

Genetics Laboratory, Great Ormond Street Hospital NHS Foundation Trust, North Thames Genomic Laboratory Hub
Classification: Likely pathogenic for Fetal anomalies with a likely genetic cause. Last evaluated: 2026-04-13. Review status: criteria provided, single submitter. Criteria: ACGS Best Practice Guidelines for Variant Classification in Rare Disease 2024 v1.2. Collection method: clinical testing. Allele origin: germline. Affected: yes.
Comment: PM2_moderate, PP3_supporting, PS2_strong

Labcorp Genetics (formerly Invitae), Labcorp
Classification: Pathogenic for Cornelia de Lange syndrome 1. Last evaluated: 2025-07-10. Review status: criteria provided, single submitter. Criteria: Invitae Variant Classification Sherloc (09022015). Collection method: clinical testing. Allele origin: germline.
Comment: This sequence change falls in intron 8 of the NIPBL gene. It does not directly change the encoded amino acid sequence of the NIPBL protein. This variant is not present in population databases (gnomAD no frequency). This variant has been observed in individual(s) with Cornelia de Lange Syndrome (internal data). In at least one individual the variant was observed to be de novo. Algorithms developed to predict the effect of sequence changes on RNA splicing suggest that this variant may disrupt the consensus splice site. For these reasons, this variant has been classified as Pathogenic.